The following is an entry in ClinVar:

NC_000011.10:g.17276676G>A

Gene: LOC130005389 (ATAC-STARR-seq lymphoblastoid silent region 3183; plus strand). Cytogenetic location: 11p15.1.
Variant type: single nucleotide variant.
Genome position: GRCh38 VCF-style: chr11-17276676-G-A. GRCh37 (hg19) VCF-style: chr11-17298223-G-A.
Other names: rs182903196.
Identifiers: ClinVar variation 127109 (VCV000127109.4), dbSNP rs182903196, ClinGen allele CA249789.

ClinVar aggregate classification (germline): not provided (0 of 4 stars; one submission).

Allele frequency attached by ClinVar (database versions not stated): 1000 Genomes Project 30x 0.00500; gnomAD 0.00639 and 0.00688; TOPMed 0.00736; 1000 Genomes Project 0.00459.

Submission:

Genomic Research Center, Shahid Beheshti University of Medical Sciences
No classification provided. Review status: no classification provided. Collection method: not provided. Allele origin: somatic.
ClinVar note: Converted during submission from untested to not provided.